The following is an entry in ClinVar:

NM_000038.6(APC):c.4315C>T (p.Pro1439Ser)

Gene: APC (APC regulator of Wnt signaling pathway; plus strand). Cytogenetic location: 5q22.2.
Variant type: single nucleotide variant.
Coding change: c.4315C>T on transcript NM_000038.6 (MANE Select); coding-DNA position 4315, C replaced by T.
Protein change: p.Pro1439Ser; replaces proline 1439 with serine.
Molecular consequence: missense variant.
Genome position (GRCh38, 1-based): chr5:112,839,909, C>T. VCF-style: chr5-112839909-C-T. GRCh37 (hg19) VCF-style: chr5-112175606-C-T.
Other names: c.4315C>T, p.Pro1439Ser (NM_001354895.2, NM_001127510.3, NM_001407450.1); c.4369C>T, p.Pro1457Ser (NM_001354896.2, NM_001407447.1, NM_001407448.1 and 1 more transcripts); c.4345C>T, p.Pro1449Ser (NM_001354897.2); c.4240C>T, p.Pro1414Ser (NM_001354898.2); c.4231C>T, p.Pro1411Ser (NM_001354899.2); c.4261C>T, p.Pro1421Ser (NM_001127511.3); c.4192C>T, p.Pro1398Ser (NM_001354900.2); c.4138C>T, p.Pro1380Ser (NM_001354901.2, NM_001407453.1); and 11 more; short protein forms P1338S, P1380S, P1398S, P1411S, P1421S, P1429S, P1432S, P1457S.
Identifiers: ClinVar variation 2048711 (VCV002048711.4), dbSNP rs2149911482, ClinGen allele CA16030791.

ClinVar aggregate classification (germline): Uncertain significance (1 of 4 stars; one submission).

Conditions:
Familial adenomatous polyposis 1 (FAP1). Also called: POLYPOSIS, ADENOMATOUS INTESTINAL; FAMILIAL ADENOMATOUS POLYPOSIS 1, ATTENUATED. Identifiers: MedGen C2713442, MONDO:0021056, OMIM 175100. Disease mechanism: loss of function.

Submission:

Labcorp Genetics (formerly Invitae), Labcorp
Classification: Uncertain significance for Familial adenomatous polyposis 1. Last evaluated: 2021-12-19. Review status: criteria provided, single submitter. Criteria: Invitae Variant Classification Sherloc (09022015). Collection method: clinical testing. Allele origin: germline.
Comment: In summary, the available evidence is currently insufficient to determine the role of this variant in disease. Therefore, it has been classified as a Variant of Uncertain Significance. Algorithms developed to predict the effect of missense changes on protein structure and function are either unavailable or do not agree on the potential impact of this missense change (SIFT: "Tolerated"; PolyPhen-2: "Probably Damaging"; Align-GVGD: "Class C0"). This variant has not been reported in the literature in individuals affected with APC-related conditions. This variant is not present in population databases (gnomAD no frequency). This sequence change replaces proline, which is neutral and non-polar, with serine, which is neutral and polar, at codon 1439 of the APC protein (p.Pro1439Ser).